The following is an entry in ClinVar:

ClinVar aggregate classification (germline): Conflicting classifications of pathogenicity. Review status: criteria provided, conflicting classifications (1 of 4 stars). 3 submissions from 3 submitters: Uncertain significance (2); Benign (1). Last evaluated 2026-01-01.

Conditions:
Fanconi anemia (FA). Also called: Fanconi's anemia. Identifiers: Orphanet 84, MedGen C0015625, MeSH D005199, MONDO:0019391.
Fanconi anemia complementation group F. Also called: FANCF-Related Fanconi Anemia. Identifiers: Orphanet 84, MedGen C3469526, MONDO:0011325, OMIM 603467.

Allele frequency attached by ClinVar (database versions not stated): gnomAD exomes 0.00005 and 0.00009; ExAC 0.00006; TOPMed 0.00006; gnomAD 0.00008.

Submissions (3):

Labcorp Genetics (formerly Invitae), Labcorp
Classification: Uncertain significance for Fanconi anemia. Last evaluated: 2026-01-01. Review status: criteria provided, single submitter. Criteria: Invitae Variant Classification Sherloc (09022015). Collection method: clinical testing. Allele origin: germline.
Comment: This sequence change replaces lysine, which is basic and polar, with glutamic acid, which is acidic and polar, at codon 324 of the FANCF protein (p.Lys324Glu). This variant is present in population databases (rs200416138, gnomAD 0.01%). This variant has not been reported in the literature in individuals affected with FANCF-related conditions. ClinVar contains an entry for this variant (Variation ID: 878061). Invitae Evidence Modeling of protein sequence and biophysical properties (such as structural, functional, and spatial information, amino acid conservation, physicochemical variation, residue mobility, and thermodynamic stability) indicates that this missense variant is not expected to disrupt FANCF protein function with a negative predictive value of 80%. In summary, the available evidence is currently insufficient to determine the role of this variant in disease. Therefore, it has been classified as a Variant of Uncertain Significance.

Fulgent Genetics
Classification: Uncertain significance for Fanconi anemia complementation group F. Last evaluated: 2024-02-19. Review status: criteria provided, single submitter. Criteria: ACMG Guidelines, 2015. Collection method: clinical testing. Allele origin: germline.

Illumina Laboratory Services, Illumina
Classification: Benign for Fanconi anemia complementation group F. Last evaluated: 2017-04-27. Review status: criteria provided, single submitter. Criteria: ICSL Variant Classification Criteria 13 December 2019. Collection method: clinical testing. Allele origin: germline.
Comment: This variant was observed as part of a predisposition screen in an ostensibly healthy population. A literature search was performed for the gene, cDNA change, and amino acid change (where applicable). Publications were found based on this search. The evidence from the literature, in combination with allele frequency data from public databases where available, was sufficient to rule this variant out of causing disease. Therefore, this variant is classified as benign.

Literature cited by the submitters: PubMed 16774934 (cited by Illumina Laboratory Services, Illumina); PubMed 18271933 (cited by Illumina Laboratory Services, Illumina).

NM_022725.4(FANCF):c.970A>G (p.Lys324Glu)

Genes: FANCF (FA complementation group F; minus strand), LOC130005443 (ATAC-STARR-seq lymphoblastoid active region 4533; plus strand). Cytogenetic location: 11p14.3.
Variant type: single nucleotide variant.
Coding change: c.970A>G on transcript NM_022725.4 (MANE Select); coding-DNA position 970, A replaced by G.
Protein change: p.Lys324Glu; replaces lysine 324 with glutamic acid.
Molecular consequence: missense variant.
Genome position (GRCh38, 1-based): chr11:22,624,841, T>C on the plus strand (A>G on the coding strand, the complement: FANCF is on the minus strand). VCF-style: chr11-22624841-T-C. GRCh37 (hg19) VCF-style: chr11-22646387-T-C.
Other names: short protein forms K324E.
Identifiers: ClinVar variation 878061 (VCV000878061.11), dbSNP rs200416138, ClinGen allele CA5924222.
Genomic context (GRCh38, chr11:22,624,841, plus strand): 5'-GACCAGGTACTTCAAAATCTCCATCCTGCGCTTTACAGGTCTCCAGGGCAGTTAGAACTT[T>C]ATCTTTCAGAGGTGGAGGGGCCTGACAGAGGCTTTGAAACCTATTGTGCAACTCCTCCCA-3'
Protein context (NP_073562.1, residues 314-334): LCQAPPPLKD[Lys324Glu]VLTALETCKA